The following is an entry in ClinVar:

NM_017950.4(CCDC40):c.1163C>T (p.Ala388Val)

Gene: CCDC40 (coiled-coil domain 40 molecular ruler complex subunit; plus strand). Cytogenetic location: 17q25.3.
Variant type: single nucleotide variant.
Coding change: c.1163C>T on transcript NM_017950.4 (MANE Select); coding-DNA position 1163, C replaced by T.
Protein change: p.Ala388Val; replaces alanine 388 with valine.
Molecular consequence: missense variant.
Genome position (GRCh38, 1-based): chr17:80,058,497, C>T. VCF-style: chr17-80058497-C-T. GRCh37 (hg19) VCF-style: chr17-78032296-C-T.
Other names: c.1163C>T, p.Ala388Val (NM_001243342.2, NM_001330508.2); short protein forms A388V.
Identifiers: ClinVar variation 3652458 (VCV003652458.2).

ClinVar aggregate classification (germline): Uncertain significance (1 of 4 stars; one submission).

Conditions:
Primary ciliary dyskinesia. Also called: Ciliary dyskinesia. Identifiers: Orphanet 244, MedGen C0008780, MONDO:0016575, HP:0012265.

gnomAD v4.1: 82 of 1,613,772 alleles (0.0051%); highest among the groups gnomAD compares: South Asian, 0.0088%; no homozygotes.

Submission:

Labcorp Genetics (formerly Invitae), Labcorp
Classification: Uncertain significance for Primary ciliary dyskinesia. Last evaluated: 2024-04-29. Review status: criteria provided, single submitter. Criteria: Invitae Variant Classification Sherloc (09022015). Collection method: clinical testing. Allele origin: germline.
Comment: This sequence change replaces alanine, which is neutral and non-polar, with valine, which is neutral and non-polar, at codon 388 of the CCDC40 protein (p.Ala388Val). This variant is present in population databases (rs199948075, gnomAD 0.01%). This variant has not been reported in the literature in individuals affected with CCDC40-related conditions. Advanced modeling of protein sequence and biophysical properties (such as structural, functional, and spatial information, amino acid conservation, physicochemical variation, residue mobility, and thermodynamic stability) performed at Invitae indicates that this missense variant is not expected to disrupt CCDC40 protein function with a negative predictive value of 80%. In summary, the available evidence is currently insufficient to determine the role of this variant in disease. Therefore, it has been classified as a Variant of Uncertain Significance.